The following is an entry in ClinVar:

NM_001374828.1(ARID1B):c.2909C>T (p.Pro970Leu)

Gene: ARID1B (AT-rich interaction domain 1B; plus strand). Cytogenetic location: 6q25.3.
Variant type: single nucleotide variant.
Coding change: c.2909C>T on transcript NM_001374828.1 (MANE Select); coding-DNA position 2909, C replaced by T.
Protein change: p.Pro970Leu; replaces proline 970 with leucine.
Molecular consequence: missense variant.
Genome position (GRCh38, 1-based): chr6:157,148,771, C>T. VCF-style: chr6-157148771-C-T. GRCh37 (hg19) VCF-style: chr6-157469905-C-T.
Other names: c.2699C>T, p.Pro900Leu (NM_020732.3); c.410C>T, p.Pro137Leu (NM_001363725.2); c.2948C>T, p.Pro983Leu (NM_001371656.1, NM_001374820.1); c.2909C>T, p.Pro970Leu (NM_017519.3); short protein forms P900L, P137L, P970L, P983L.
Identifiers: ClinVar variation 383532 (VCV000383532.5), dbSNP rs1057521656, ClinGen allele CA16605061.

ClinVar aggregate classification (germline): Uncertain significance. Review status: criteria provided, multiple submitters, no conflicts (2 of 4 stars). 3 submissions from 3 submitters: Uncertain significance (3). Last evaluated 2021-07-15.

Conditions:
Coffin-Siris syndrome 1 (CSS1). Also called: Mental retardation, autosomal dominant 12; ARID1B-Related Coffin-Siris Syndrome. Identifiers: Orphanet 1465, MedGen C3281201, MONDO:0007617, OMIM 135900. Disease mechanism: gain of function.

Allele frequency attached by ClinVar (database versions not stated): gnomAD exomes below 0.00001; TOPMed below 0.00001; gnomAD 0.00001.
gnomAD v4.1: 2 of 1,613,120 alleles (0.00012%); highest among the groups gnomAD compares: Admixed American, 0.0017%; no homozygotes.

Submissions (3):

Genome-Nilou Lab
Classification: Uncertain significance for Coffin-Siris syndrome 1. Last evaluated: 2021-07-15. Review status: criteria provided, single submitter. Criteria: ACMG Guidelines, 2015. Collection method: clinical testing. Allele origin: germline. Affected: no.

Baylor Genetics
Classification: Uncertain significance for Coffin-Siris syndrome 1. Last evaluated: 2018-08-06. Review status: criteria provided, single submitter. Criteria: ACMG Guidelines, 2015. Collection method: clinical testing. Allele origin: paternal. Affected: yes.
Comment: This variant was determined to be of uncertain significance according to ACMG Guidelines, 2015 [PMID:25741868].

GeneDx
Classification: Uncertain significance. Last evaluated: 2017-10-09. Review status: criteria provided, single submitter. Criteria: GeneDx Variant Classification (06012015). Collection method: clinical testing. Allele origin: germline. Affected: yes.
Comment: The P900L variant in the ARID1B gene has not been reported previously as a pathogenic variant, nor as a benign variant, to our knowledge. The P900L variant was not observed in approximately 6500 individuals of European and African American ancestry in the NHLBI Exome Sequencing Project, indicating it is not a common benign variant in these populations. The P900L variant is a semi-conservative amino acid substitution, which may impact secondary protein structure as these residues differ in some properties. This substitution occurs at a position that is conserved across species. In silico analysis predicts this variant is probably damaging to the protein structure/function. We interpret P900L as a variant of uncertain significance.